The following is an entry in ClinVar:

NM_004655.4(AXIN2):c.1866G>A (p.Trp622Ter)

Gene: AXIN2 (axin 2; minus strand). Cytogenetic location: 17q24.1.
Variant type: single nucleotide variant.
Coding change: c.1866G>A on transcript NM_004655.4 (MANE Select); coding-DNA position 1866, G replaced by A.
Protein change: p.Trp622Ter; replaces tryptophan 622 with a stop codon.
Molecular consequence: nonsense. On other transcripts: intron variant (1).
Genome position (GRCh38, 1-based): chr17:65,536,910, C>T on the plus strand (G>A on the coding strand, the complement: AXIN2 is on the minus strand). VCF-style: chr17-65536910-C-T. GRCh37 (hg19) VCF-style: chr17-63533028-C-T.
Other names: c.1713-357G>A (NM_001363813.1); short protein forms W622*.
Identifiers: ClinVar variation 1472382 (VCV001472382.8), dbSNP rs2144448863, ClinGen allele CA400676459.

ClinVar aggregate classification (germline): Uncertain significance (1 of 4 stars; one submission).

Conditions:
Oligodontia-cancer predisposition syndrome. Also called: TOOTH AGENESIS-COLORECTAL CANCER SYNDROME. Identifiers: Orphanet 300576, MedGen C1837750, MONDO:0012075, OMIM 608615. Disease mechanism: loss of function.

Submission:

Labcorp Genetics (formerly Invitae), Labcorp
Classification: Uncertain significance for Oligodontia-cancer predisposition syndrome. Last evaluated: 2025-09-10. Review status: criteria provided, single submitter. Criteria: Invitae Variant Classification Sherloc (09022015). Collection method: clinical testing. Allele origin: germline.
Comment: This sequence change creates a premature translational stop signal (p.Trp622*) in the AXIN2 gene. Loss-of-function variants in AXIN2 are known to be pathogenic (PMID: 21416598, 15042511). However, tissue-specific alternative splicing of AXIN2 gene results in functional isoform lacking in-frame exon 7 (also known as exon 6, PMID: 15735151). For this reason the clinical significance of loss of function variants in exon 7 is currently uncertain. This variant is not present in population databases (gnomAD no frequency). This variant has not been reported in the literature in individuals affected with AXIN2-related conditions. ClinVar contains an entry for this variant (Variation ID: 1472382). Algorithms developed to predict the effect of sequence changes on RNA splicing suggest that this variant may disrupt the consensus splice site. In summary, the available evidence is currently insufficient to determine the role of this variant in disease. Therefore, it has been classified as a Variant of Uncertain Significance.

Literature cited by the submitters: PubMed 21416598; PubMed 15042511.